The following is an entry in ClinVar:

ClinVar aggregate classification (germline): Uncertain significance. Review status: criteria provided, multiple submitters, no conflicts (2 of 4 stars). 2 submissions from 2 submitters: Uncertain significance (2). Last evaluated 2024-08-05.

Conditions:
Inborn genetic diseases. Identifiers: MedGen C0950123, MeSH D030342.

Allele frequency attached by ClinVar (database versions not stated): TOPMed 0.00001.
gnomAD v4.1: 8 of 1,614,104 alleles (0.0005%); highest among the groups gnomAD compares: Non-Finnish European, 0.00068%; no homozygotes.

Submissions (2):

Labcorp Genetics (formerly Invitae), Labcorp
Classification: Uncertain significance. Last evaluated: 2024-08-05. Review status: criteria provided, single submitter. Criteria: Invitae Variant Classification Sherloc (09022015). Collection method: clinical testing. Allele origin: germline.
Comment: This sequence change replaces proline, which is neutral and non-polar, with serine, which is neutral and polar, at codon 73 of the NDUFV1 protein (p.Pro73Ser). This variant is not present in population databases (gnomAD no frequency). This variant has not been reported in the literature in individuals affected with NDUFV1-related conditions. ClinVar contains an entry for this variant (Variation ID: 1388805). Advanced modeling of protein sequence and biophysical properties (such as structural, functional, and spatial information, amino acid conservation, physicochemical variation, residue mobility, and thermodynamic stability) performed at Invitae indicates that this missense variant is not expected to disrupt NDUFV1 protein function with a negative predictive value of 80%. In summary, the available evidence is currently insufficient to determine the role of this variant in disease. Therefore, it has been classified as a Variant of Uncertain Significance.

Ambry Genetics
Classification: Uncertain significance for Inborn genetic diseases. Last evaluated: 2023-05-31. Review status: criteria provided, single submitter. Criteria: Ambry Variant Classification Scheme 2023. Collection method: clinical testing. Allele origin: germline.

NM_007103.4(NDUFV1):c.217C>T (p.Pro73Ser)

Gene: NDUFV1 (NADH:ubiquinone oxidoreductase core subunit V1; plus strand). Cytogenetic location: 11q13.2.
Variant type: single nucleotide variant.
Coding change: c.217C>T on transcript NM_007103.4 (MANE Select); coding-DNA position 217, C replaced by T.
Protein change: p.Pro73Ser; replaces proline 73 with serine.
Molecular consequence: missense variant.
Genome position (GRCh38, 1-based): chr11:67,608,613, C>T. VCF-style: chr11-67608613-C-T. GRCh37 (hg19) VCF-style: chr11-67376084-C-T.
Other names: c.217C>T (NM_007103.3); c.190C>T, p.Pro64Ser (NM_001166102.2); short protein forms P64S, P73S.
Identifiers: ClinVar variation 1388805 (VCV001388805.9), dbSNP rs1407393987, ClinGen allele CA381533415.